The following is an entry in ClinVar:

ClinVar aggregate classification (germline): Pathogenic (1 of 4 stars; one submission).

Conditions:
Duchenne muscular dystrophy (DMD). Also called: MUSCULAR DYSTROPHY, PSEUDOHYPERTROPHIC PROGRESSIVE, DUCHENNE TYPE; Duchenne Muscular Dystrophy (DMD). Identifiers: Orphanet 98896, MedGen C0013264, MONDO:0010679, OMIM 310200.

Submission:

Labcorp Genetics (formerly Invitae), Labcorp
Classification: Pathogenic for Duchenne muscular dystrophy. Last evaluated: 2022-05-21. Review status: criteria provided, single submitter. Criteria: Invitae Variant Classification Sherloc (09022015). Collection method: clinical testing. Allele origin: germline.
Comment: For these reasons, this variant has been classified as Pathogenic. This variant has not been reported in the literature in individuals affected with DMD-related conditions. This variant is not present in population databases (gnomAD no frequency). This sequence change creates a premature translational stop signal (p.Val2445Glyfs*15) in the DMD gene. It is expected to result in an absent or disrupted protein product. Loss-of-function variants in DMD are known to be pathogenic (PMID: 16770791, 25007885).

Literature cited by the submitters: PubMed 16770791; PubMed 25007885.

NM_004006.3(DMD):c.7334del (p.Val2445fs)

Gene: DMD (dystrophin; minus strand). Cytogenetic location: Xp21.1.
Variant type: Deletion.
Coding change: c.7334del on transcript NM_004006.3 (MANE Select); coding-DNA position 7334, one base deleted (T; older notation c.7334delT).
Protein change: p.Val2445fs; shifts the reading frame from valine 2445.
Molecular consequence: frameshift variant. On other transcripts: 5 prime UTR variant (5).
Genome position (GRCh38, 1-based): chrX:31,774,168, A deleted on the plus strand (T on the coding strand, the reverse complement: DMD is on the minus strand). VCF-style (leftmost placement, unchanged base first): chrX-31774167-CA-C. GRCh37 (hg19) VCF-style: chrX-31792284-CA-C.
Other names: c.7310del, p.Val2437fs (NM_000109.4); c.7322del, p.Val2441fs (NM_004009.3); c.6965del, p.Val2322fs (NM_004010.3); c.3311del, p.Val1104fs (NM_004011.4); c.3302del, p.Val1101fs (NM_004012.4); c.-47del (NM_004013.3, NM_004020.4, NM_004021.3 and 2 more transcripts); short protein forms V2441fs, V2437fs, V2322fs, V2445fs, V1101fs, V1104fs.
Identifiers: ClinVar variation 1997304 (VCV001997304.4), dbSNP rs2530842766, ClinGen allele CA2580100613.